The following is an entry in ClinVar:

NM_001261826.3(AP3D1):c.2350A>G (p.Asn784Asp)

Gene: AP3D1 (adaptor related protein complex 3 subunit delta 1; minus strand). Cytogenetic location: 19p13.3.
Variant type: single nucleotide variant.
Coding change: c.2350A>G on transcript NM_001261826.3 (MANE Select); coding-DNA position 2350, A replaced by G.
Protein change: p.Asn784Asp; replaces asparagine 784 with aspartic acid.
Molecular consequence: missense variant.
Genome position (GRCh38, 1-based): chr19:2,114,821, T>C on the plus strand (A>G on the coding strand, the complement: AP3D1 is on the minus strand). VCF-style: chr19-2114821-T-C. GRCh37 (hg19) VCF-style: chr19-2114820-T-C.
Other names: c.2350A>G, p.Asn784Asp (NM_001374799.1, NM_003938.8); short protein forms N784D.
Identifiers: ClinVar variation 3649000 (VCV003649000.2).

ClinVar aggregate classification (germline): Uncertain significance (1 of 4 stars; one submission).

Submission:

Labcorp Genetics (formerly Invitae), Labcorp
Classification: Uncertain significance. Last evaluated: 2024-04-06. Review status: criteria provided, single submitter. Criteria: Invitae Variant Classification Sherloc (09022015). Collection method: clinical testing. Allele origin: germline.
Comment: This sequence change replaces asparagine, which is neutral and polar, with aspartic acid, which is acidic and polar, at codon 784 of the AP3D1 protein (p.Asn784Asp). This variant is not present in population databases (gnomAD no frequency). This variant has not been reported in the literature in individuals affected with AP3D1-related conditions. An algorithm developed to predict the effect of missense changes on protein structure and function (PolyPhen-2) suggests that this variant is likely to be tolerated. In summary, the available evidence is currently insufficient to determine the role of this variant in disease. Therefore, it has been classified as a Variant of Uncertain Significance.